The following is an entry in ClinVar:

ClinVar aggregate classification (germline): Conflicting classifications of pathogenicity. Review status: criteria provided, conflicting classifications (1 of 4 stars). 4 submissions from 4 submitters: Likely pathogenic (1); Uncertain significance (3). Last evaluated 2026-09-15.

Allele frequency attached by ClinVar (database versions not stated): TOPMed 0.00005; gnomAD 0.00008 and 0.00009; ExAC 0.00055; gnomAD exomes 0.00015.
gnomAD v4.1: 135 of 1,550,708 alleles (0.0087%); highest among the groups gnomAD compares: South Asian, 0.064%; no homozygotes.

Submissions (4):

GeneDx
Classification: Likely pathogenic. Last evaluated: 2026-09-15. Review status: criteria provided, single submitter. Criteria: GeneDx Variant Classification Process June 2021. Collection method: clinical testing. Allele origin: germline.
Comment: Intronic variant directly or indirectly altering the +5 splice site in a gene for which loss of function is a known mechanism of disease, and splice predictors support a deleterious effect; Has not been previously published as pathogenic or benign to our knowledge

Labcorp Genetics (formerly Invitae), Labcorp
Classification: Uncertain significance. Last evaluated: 2024-07-21. Review status: criteria provided, single submitter. Criteria: Invitae Variant Classification Sherloc (09022015). Collection method: clinical testing. Allele origin: germline.
Comment: This sequence change falls in intron 54 of the OTOG gene. It does not directly change the encoded amino acid sequence of the OTOG protein. It affects a nucleotide within the consensus splice site. This variant is present in population databases (rs754883697, gnomAD 0.08%). This variant has been observed in individual(s) with clinical features of OTOG-related conditions (Invitae). ClinVar contains an entry for this variant (Variation ID: 505108). Variants that disrupt the consensus splice site are a relatively common cause of aberrant splicing (PMID: 17576681, 9536098). Algorithms developed to predict the effect of sequence changes on RNA splicing suggest that this variant may disrupt the consensus splice site. In summary, the available evidence is currently insufficient to determine the role of this variant in disease. Therefore, it has been classified as a Variant of Uncertain Significance.

Blueprint Genetics
Classification: Uncertain significance. Last evaluated: 2024-07-18. Review status: criteria provided, single submitter. Criteria: ACMG Guidelines, 2015. Collection method: clinical testing. Allele origin: germline.

Laboratory for Molecular Medicine, Mass General Brigham Personalized Medicine
Classification: Uncertain significance. Last evaluated: 2016-06-21. Review status: criteria provided, single submitter. Criteria: LMM Criteria. Collection method: clinical testing. Allele origin: germline. Observed: 1 variant allele.
Comment: The c.8577+5G>A variant in OTOG has not been previously reported in individuals with hearing loss. This variant has been identified in 0.4% (1/286) of Latino ch romosomes and in 0.1% (7/7640) of South Asian chromosomes by the Exome Aggregati on Consortium (ExAC; dbSNP rs754883697). Althoug h this variant has been seen in the general population, its frequency is not hig h enough to rule out a pathogenic role. This variant is located in the 5' splice region. Computational tools do suggest an impact to splicing. However, this inf ormation is not predictive enough to rule out pathogenicity. In summary, the cli nical significance of the c.8577+5G>A variant is uncertain.

Literature cited by the submitters: PubMed 17576681 (cited by Labcorp Genetics (formerly Invitae), Labcorp); PubMed 9536098 (cited by Labcorp Genetics (formerly Invitae), Labcorp).

NM_001292063.2(OTOG):c.8541+5G>A

Gene: OTOG (otogelin; plus strand). Cytogenetic location: 11p15.1.
Variant type: single nucleotide variant.
Coding change: c.8541+5G>A on transcript NM_001292063.2 (MANE Select); 5 bases into the intron after coding-DNA position 8541, G replaced by A.
Molecular consequence: intron variant.
Genome position (GRCh38, 1-based): chr11:17,645,648, G>A. VCF-style: chr11-17645648-G-A. GRCh37 (hg19) VCF-style: chr11-17667195-G-A.
Other names: c.8577+5G>A (NM_001277269.2).
Identifiers: ClinVar variation 505108 (VCV000505108.14), dbSNP rs754883697, ClinGen allele CA5906312.